The following is an entry in ClinVar:

NM_000498.3(CYP11B2):c.476C>T (p.Pro159Leu)

Genes: CYP11B2 (cytochrome P450 family 11 subfamily B member 2; minus strand), LOC106799834 (CYP11B2 recombination region; plus strand). Cytogenetic location: 8q24.3.
Variant type: single nucleotide variant.
Coding change: c.476C>T on transcript NM_000498.3 (MANE Select); coding-DNA position 476, C replaced by T.
Protein change: p.Pro159Leu; replaces proline 159 with leucine.
Molecular consequence: missense variant.
Genome position (GRCh38, 1-based): chr8:142,915,165, G>A on the plus strand (C>T on the coding strand, the complement: CYP11B2 is on the minus strand). VCF-style: chr8-142915165-G-A. GRCh37 (hg19) VCF-style: chr8-143996581-G-A.
Other names: short protein forms P159L.
Identifiers: ClinVar variation 362223 (VCV000362223.5), dbSNP rs563073392, ClinGen allele CA4906194.

ClinVar aggregate classification (germline): Likely benign. Review status: criteria provided, single submitter (1 of 4 stars). 3 submissions from 1 submitter: Likely benign (3). Last evaluated 2017-04-27.

Conditions:
Glucocorticoid-remediable aldosteronism. Also called: Hyperaldosteronism, familial, type I; ACTH-DEPENDENT HYPERALDOSTERONISM SYNDROME; ALDOSTERONISM, SENSITIVE TO DEXAMETHASONE; FH I; GLUCOCORTICOID-SUPPRESSIBLE HYPERALDOSTERONISM. Identifiers: Orphanet 403, MedGen C3838731, MONDO:0007080, OMIM 103900.
Corticosterone 18-monooxygenase deficiency. Also called: ALDOSTERONE DEFICIENCY DUE TO DEFECT IN STEROID 18-HYDROXYLASE; ALDOSTERONE DEFICIENCY I; CMO I DEFICIENCY; STEROID 18-HYDROXYLASE DEFICIENCY; 18 Hydroxylase deficiency; Aldosterone deficiency due to defect in 18 hydroxylase. Identifiers: Orphanet 427, MedGen C0268293, MONDO:0008751, OMIM 203400. Disease mechanism: loss of function.
Corticosterone methyloxidase type 2 deficiency. Also called: 18-OXIDASE DEFICIENCY; ALDOSTERONE DEFICIENCY DUE TO DEFICIENCY OF STEROID 18-OXIDASE; ALDOSTERONE DEFICIENCY II; CMO II DEFICIENCY; STEROID 18-OXIDASE DEFICIENCY. Identifiers: Orphanet 427, MedGen C3463917, MONDO:0012524, OMIM 610600. Disease mechanism: loss of function.

Allele frequency attached by ClinVar (database versions not stated): gnomAD 0.00001; gnomAD exomes 0.00002; TOPMed 0.00002; ExAC 0.00003; 1000 Genomes Project 30x 0.00016; 1000 Genomes Project 0.00020.
gnomAD v4.1: 34 of 1,614,120 alleles (0.0021%); highest among the groups gnomAD compares: South Asian, 0.014%; no homozygotes.

Submissions (3):

Illumina Laboratory Services, Illumina
Classification: Likely benign for Corticosterone methyloxidase type 2 deficiency. Last evaluated: 2017-04-27. Review status: criteria provided, single submitter. Criteria: ICSL Variant Classification Criteria 13 December 2019. Collection method: clinical testing. Allele origin: germline.
Comment: This variant was observed as part of a predisposition screen in an ostensibly healthy population. A literature search was performed for the gene, cDNA change, and amino acid change (where applicable). No publications were found based on this search. Allele frequency data from public databases allowed determination this variant is unlikely to cause disease. Therefore, this variant is classified as likely benign.

Illumina Laboratory Services, Illumina
Classification: Likely benign for Hyperaldosteronism, familial, type I. Last evaluated: 2017-04-27. Review status: criteria provided, single submitter. Criteria: ICSL Variant Classification Criteria 13 December 2019. Collection method: clinical testing. Allele origin: germline.
Comment: the same text as in the submission from Illumina Laboratory Services, Illumina above.

Illumina Laboratory Services, Illumina
Classification: Likely benign for Corticosterone 18-monooxygenase deficiency. Last evaluated: 2017-04-27. Review status: criteria provided, single submitter. Criteria: ICSL Variant Classification Criteria 13 December 2019. Collection method: clinical testing. Allele origin: germline.
Comment: the same text as in the submission from Illumina Laboratory Services, Illumina above.